The following is an entry in ClinVar:

ClinVar aggregate classification (germline): Likely benign. Review status: criteria provided, multiple submitters, no conflicts (2 of 4 stars). 2 submissions from 2 submitters: Likely benign (2). Last evaluated 2026-07-01.

Conditions:
Inborn genetic diseases. Identifiers: MedGen C0950123, MeSH D030342.

Allele frequency attached by ClinVar (database versions not stated): gnomAD 0.00013; ExAC 0.00014; TOPMed 0.00014; ESP Exome Variant Server 0.00023; 1000 Genomes Project 30x 0.00031; gnomAD exomes 0.00037.

Submissions (2):

CeGaT Center for Human Genetics Tuebingen
Classification: Likely benign. Last evaluated: 2026-07-01. Review status: criteria provided, single submitter. Criteria: CeGaT Center For Human Genetics Tuebingen Variant Classification Criteria Version 2. Collection method: clinical testing. Allele origin: germline. Affected: yes. Observed: 3 variant alleles.
Comment: CIC: BP4, BS2

Ambry Genetics
Classification: Likely benign for Inborn genetic diseases. Last evaluated: 2021-06-03. Review status: criteria provided, single submitter. Criteria: Ambry Variant Classification Scheme 2023. Collection method: clinical testing. Allele origin: germline.

NM_001386298.1(CIC):c.3625A>G (p.Met1209Val)

Gene: CIC (capicua transcriptional repressor; plus strand). Cytogenetic location: 19q13.2.
Variant type: single nucleotide variant.
Coding change: c.3625A>G on transcript NM_001386298.1 (MANE Select); coding-DNA position 3625, A replaced by G.
Protein change: p.Met1209Val; replaces methionine 1209 with valine.
Molecular consequence: missense variant.
Genome position (GRCh38, 1-based): chr19:42,287,942, A>G. VCF-style: chr19-42287942-A-G. GRCh37 (hg19) VCF-style: chr19-42792094-A-G.
Other names: c.3625A>G, p.Met1209Val (NM_001304815.2, NM_001379480.1, NM_001379482.1 and 1 more transcripts); c.898A>G, p.Met300Val (NM_001379484.1, NM_001379485.1, NM_015125.5); short protein forms M1209V, M300V.
Identifiers: ClinVar variation 2364955 (VCV002364955.7), dbSNP rs201633759, ClinGen allele CA9471826.